The following is an entry in ClinVar:

ClinVar aggregate classification (germline): Pathogenic (1 of 4 stars; one submission).

Conditions:
Juvenile polyposis syndrome (JPS). Identifiers: Orphanet 2929, MedGen C0345893, MONDO:0017380, OMIM 174900.

Submission:

Labcorp Genetics (formerly Invitae), Labcorp
Classification: Pathogenic for Juvenile polyposis syndrome. Last evaluated: 2021-06-05. Review status: criteria provided, single submitter. Criteria: Invitae Variant Classification Sherloc (09022015). Collection method: clinical testing. Allele origin: germline.
Comment: This sequence change creates a premature translational stop signal (p.Glu377Hisfs*2) in the SMAD4 gene. It is expected to result in an absent or disrupted protein product. Loss-of-function variants in SMAD4 are known to be pathogenic (PMID: 16152648, 16436638, 22810475). This variant is not present in population databases (ExAC no frequency). This variant has not been reported in the literature in individuals with SMAD4-related conditions. For these reasons, this variant has been classified as Pathogenic.

Literature cited by the submitters: PubMed 16152648; PubMed 16436638; PubMed 22810475.

NM_005359.6(SMAD4):c.1125_1128dup (p.Glu377delinsHisTer)

Gene: SMAD4 (SMAD family member 4; plus strand). Cytogenetic location: 18q21.2.
Variant type: Duplication.
Coding change: c.1125_1128dup on transcript NM_005359.6 (MANE Select); coding-DNA positions 1125 to 1128, 4 bases duplicated (CATT; older notation c.1125_1128dupCATT).
Protein change: p.Glu377delinsHisTer.
Molecular consequence: nonsense.
Genome position (GRCh38, 1-based): chr18:51,065,592-51,065,595, CATT duplicated. VCF-style (leftmost placement, unchanged base first): chr18-51065591-C-CCATT. GRCh37 (hg19) VCF-style: chr18-48591961-C-CCATT.
Identifiers: ClinVar variation 1363053 (VCV001363053.6), dbSNP rs2144447925, ClinGen allele CA2573155359.